The following is an entry in ClinVar:

ClinVar aggregate classification (germline): Likely benign. Review status: criteria provided, multiple submitters, no conflicts (2 of 4 stars). 2 submissions from 2 submitters: Likely benign (2). Last evaluated 2025-02-01.

Allele frequency attached by ClinVar (database versions not stated): gnomAD 0.00001; TOPMed 0.00002; gnomAD exomes 0.00003; ExAC 0.00007.
gnomAD v4.1: 45 of 1,614,130 alleles (0.0028%); highest among the groups gnomAD compares: Middle Eastern, 0.049%; no homozygotes.

Submissions (2):

CeGaT Center for Human Genetics Tuebingen
Classification: Likely benign. Last evaluated: 2025-02-01. Review status: criteria provided, single submitter. Criteria: CeGaT Center For Human Genetics Tuebingen Variant Classification Criteria Version 2. Collection method: clinical testing. Allele origin: germline. Affected: yes. Observed: 2 variant alleles.
Comment: DNM1L: BP4, BP7

Labcorp Genetics (formerly Invitae), Labcorp
Classification: Likely benign. Last evaluated: 2024-04-20. Review status: criteria provided, single submitter. Criteria: Invitae Variant Classification Sherloc (09022015). Collection method: clinical testing. Allele origin: germline.

NM_012062.5(DNM1L):c.1872C>T (p.Asn624=)

Gene: DNM1L (dynamin 1L; plus strand). Cytogenetic location: 12p11.21.
Variant type: single nucleotide variant.
Coding change: c.1872C>T on transcript NM_012062.5 (MANE Select); coding-DNA position 1872, C replaced by T.
Protein change: p.Asn624=; no amino-acid change (asparagine 624 retained).
Molecular consequence: synonymous variant.
Genome position (GRCh38, 1-based): chr12:32,740,228, C>T. VCF-style: chr12-32740228-C-T. GRCh37 (hg19) VCF-style: chr12-32893162-C-T.
Other names: c.1839C>T, p.Asn613= (NM_001278463.2); c.1911C>T, p.Asn637= (NM_001278464.2); c.1878C>T, p.Asn626= (NM_001278465.2); c.1263C>T, p.Asn421= (NM_001278466.2); c.1800C>T, p.Asn600= (NM_001330380.2); c.1761C>T, p.Asn587= (NM_005690.5); c.1794C>T, p.Asn598= (NM_012063.4).
Identifiers: ClinVar variation 2642841 (VCV002642841.27), dbSNP rs745441986, ClinGen allele CA6507709.